The following is an entry in ClinVar:

NM_000478.6(ALPL):c.649-1G>A

Gene: ALPL (alkaline phosphatase, biomineralization associated; plus strand). Cytogenetic location: 1p36.12.
Variant type: single nucleotide variant.
Coding change: c.649-1G>A on transcript NM_000478.6 (MANE Select); the canonical splice acceptor site of the intron before coding-DNA position 649, G replaced by A.
Molecular consequence: splice acceptor variant.
Genome position (GRCh38, 1-based): chr1:21,568,103, G>A. VCF-style: chr1-21568103-G-A. GRCh37 (hg19) VCF-style: chr1-21894596-G-A.
Other names: c.649-1G>A (NM_001369805.2, NM_001369804.2, NM_001369803.2 and 1 more transcripts); c.484-1G>A (NM_001127501.4); c.418-1G>A (NM_001177520.3).
Identifiers: ClinVar variation 1473817 (VCV001473817.10), dbSNP rs2148171286, ClinGen allele CA338878999.

ClinVar aggregate classification (germline): Pathogenic/Likely pathogenic. Review status: criteria provided, multiple submitters, no conflicts (2 of 4 stars). 5 submissions from 5 submitters: Pathogenic (1); Likely pathogenic (4). Last evaluated 2026-09-01.

Conditions:
Childhood hypophosphatasia. Identifiers: Orphanet 247667, Orphanet 436, MedGen C0220743, MONDO:1010168, OMIM 241510, MONDO:0009428.
Infantile hypophosphatasia. Identifiers: Orphanet 247651, Orphanet 436, MedGen C0268412, MONDO:1010169, OMIM 241500, MONDO:0009427.
Adult hypophosphatasia. Identifiers: Orphanet 247676, Orphanet 436, MedGen C0268413, MONDO:1010154, OMIM 146300, MONDO:0007798.
Hypophosphatasia. Also called: Phosphoethanol-aminuria. Identifiers: Orphanet 436, MedGen C0020630, MeSH D007014, MONDO:0018570.

Submissions (5):

Genomenon, Inc
Classification: Pathogenic for Hypophosphatasia. Last evaluated: 2026-09-01. Review status: criteria provided, single submitter. Criteria: Genomenon Sequence Variant Interpretation Standards - Updated. Collection method: curation. Allele origin: germline. Affected: yes.
Comment: ALPL c.649-1G>A is a canonical splice variant affecting the acceptor splice site of intron 6. It is predicted to affect mRNA splicing, leading to a deleterious effect on the ALPL protein. This variant has been observed in at least one proband affected with an ALPL-related disorder (PMID:32160374). It is absent or not present at a significant frequency in gnomAD. In conclusion, we classify ALPL c.649-1G>A as a pathogenic variant.

Labcorp Genetics (formerly Invitae), Labcorp
Classification: Likely pathogenic. Last evaluated: 2025-11-24. Review status: criteria provided, single submitter. Criteria: Invitae Variant Classification Sherloc (09022015). Collection method: clinical testing. Allele origin: germline.
Comment: This sequence change affects an acceptor splice site in intron 6 of the ALPL gene. It is expected to disrupt RNA splicing. Variants that disrupt the donor or acceptor splice site typically lead to a loss of protein function (PMID: 16199547), and loss-of-function variants in ALPL are known to be pathogenic (PMID: 3174660, 10679946, 32973344, 33814268). This variant is not present in population databases (gnomAD no frequency). This variant has not been reported in the literature in individuals affected with ALPL-related conditions. ClinVar contains an entry for this variant (Variation ID: 1473817). Algorithms developed to predict the effect of sequence changes on RNA splicing suggest that this variant may disrupt the consensus splice site. In summary, the currently available evidence indicates that the variant is pathogenic, but additional data are needed to prove that conclusively. Therefore, this variant has been classified as Likely Pathogenic.

Natera, Inc.
Classification: Likely pathogenic for Hypophosphatasia. Last evaluated: 2024-05-18. Review status: criteria provided, single submitter. Criteria: Natera Variant Classification Schema (03/2026). Collection method: clinical testing. Allele origin: germline.
Comment: The c.649-1G>A variant in ALPL is a canonical splice acceptor site variant predicted to affect pre-mRNA splicing, which may result in an abnormal transcript and altered protein product. This variant is expected to result in nonsense mediated decay, truncation, or a dysfunctional protein product. This variant is rare in the general population with a frequency below the threshold expected for the associated phenotype(s). Given the available evidence, this variant is classified as Likely Pathogenic.

Baylor Genetics
Classification: Likely pathogenic for Adult hypophosphatasia. Last evaluated: 2024-03-23. Review status: criteria provided, single submitter. Criteria: ACMG Guidelines, 2015. Collection method: clinical testing. Allele origin: unknown.

Fulgent Genetics
Classification: Likely pathogenic for Adult hypophosphatasia; Infantile hypophosphatasia; Childhood hypophosphatasia. Last evaluated: 2021-10-21. Review status: criteria provided, single submitter. Criteria: ACMG Guidelines, 2015. Collection method: clinical testing. Allele origin: unknown.

Literature cited by the submitters: PubMed 32160374 (cited by Genomenon, Inc); PubMed 16199547 (cited by Labcorp Genetics (formerly Invitae), Labcorp); PubMed 3174660 (cited by Labcorp Genetics (formerly Invitae), Labcorp); PubMed 10679946 (cited by Labcorp Genetics (formerly Invitae), Labcorp); PubMed 32973344 (cited by Labcorp Genetics (formerly Invitae), Labcorp); PubMed 33814268 (cited by Labcorp Genetics (formerly Invitae), Labcorp).